The following is an entry in ClinVar:

ClinVar aggregate classification (germline): Uncertain significance. Review status: criteria provided, multiple submitters, no conflicts (2 of 4 stars). 3 submissions from 3 submitters: Uncertain significance (3). Last evaluated 2025-10-22.

Conditions:
Familial thoracic aortic aneurysm and aortic dissection (TAAD). Also called: Thoracic aortic aneurysms and dissections. Identifiers: Orphanet 91387, MedGen C4707243, MONDO:0019625.
Ehlers-Danlos syndrome, type 4 (EDSVASC). Also called: Ehlers-Danlos syndrome vascular type; Ehlers Danlos syndrome, ecchymotic type; Ehlers Danlos syndrome, arterial type; Ehlers Danlos syndrome, Sack-Barabas type; Ehlers-Danlos Syndrome Type IV. Identifiers: Orphanet 286, MedGen C0268338, MONDO:0017314, OMIM 130050.

Allele frequency attached by ClinVar (database versions not stated): gnomAD exomes below 0.00001.
gnomAD v4.1: 1 of 1,601,044 alleles (0.000062%); highest among the groups gnomAD compares: Non-Finnish European, 0.000085%; no homozygotes.

Submissions (3):

Labcorp Genetics (formerly Invitae), Labcorp
Classification: Uncertain significance for Ehlers-Danlos syndrome, type 4. Last evaluated: 2025-10-22. Review status: criteria provided, single submitter. Criteria: Invitae Variant Classification Sherloc (09022015). Collection method: clinical testing. Allele origin: germline.
Comment: This sequence change replaces proline, which is neutral and non-polar, with leucine, which is neutral and non-polar, at codon 214 of the COL3A1 protein (p.Pro214Leu). This variant is not present in population databases (gnomAD no frequency). This variant has not been reported in the literature in individuals affected with COL3A1-related conditions. ClinVar contains an entry for this variant (Variation ID: 2895667). Invitae Evidence Modeling of protein sequence and biophysical properties (such as structural, functional, and spatial information, amino acid conservation, physicochemical variation, residue mobility, and thermodynamic stability) has been performed for this missense variant. However, the output from this modeling did not meet the statistical confidence thresholds required to predict the impact of this variant on COL3A1 protein function. In summary, the available evidence is currently insufficient to determine the role of this variant in disease. Therefore, it has been classified as a Variant of Uncertain Significance.

Color Diagnostics, LLC DBA Color Health
Classification: Uncertain significance for Familial thoracic aortic aneurysm and aortic dissection. Last evaluated: 2025-09-11. Review status: criteria provided, single submitter. Criteria: ACMG Guidelines, 2015. Collection method: clinical testing. Allele origin: germline.
Comment: This missense variant replaces proline with leucine at codon 214 of the COL3A1 protein. Computational prediction is inconclusive regarding the impact of this variant on protein structure and function. To our knowledge, functional studies have not been reported for this variant. This variant has not been reported in individuals affected with COL3A1-related disorders in the literature. This variant has not been identified in the general population by the Genome Aggregation Database (gnomAD). The available evidence is insufficient to determine the role of this variant in disease conclusively. Therefore, this variant is classified as a Variant of Uncertain Significance.

All of Us Research Program, National Institutes of Health
Classification: Uncertain significance for Ehlers-Danlos syndrome, type 4. Last evaluated: 2024-03-05. Review status: criteria provided, single submitter. Criteria: ACMG Guidelines, 2015. Collection method: clinical testing. Allele origin: germline. Inheritance: Autosomal dominant inheritance. Observed: 2 variant alleles, 2 heterozygotes.
Comment: This missense variant replaces proline with leucine at codon 214 of the COL3A1 protein. Computational prediction is inconclusive regarding the impact of this variant on protein structure and function (internally defined REVEL score threshold 0.5 < inconclusive < 0.7, PMID: 27666373). To our knowledge, functional studies have not been reported for this variant. This variant has not been reported in individuals affected with COL3A1-related disorders in the literature. This variant has not been identified in the general population by the Genome Aggregation Database (gnomAD). The available evidence is insufficient to determine the role of this variant in disease conclusively. Therefore, this variant is classified as a Variant of Uncertain Significance.

This study involves interpretation of variants in research participants for the purpose of population health screening. Participant phenotype was not available at the time of variant classification. Additional details can be found in publication PMID: 35346344, PMCID: PMC8962531

NM_000090.4(COL3A1):c.641C>T (p.Pro214Leu)

Gene: COL3A1 (collagen type III alpha 1 chain; plus strand). Cytogenetic location: 2q32.2.
Variant type: single nucleotide variant.
Coding change: c.641C>T on transcript NM_000090.4 (MANE Select); coding-DNA position 641, C replaced by T.
Protein change: p.Pro214Leu; replaces proline 214 with leucine.
Molecular consequence: missense variant.
Genome position (GRCh38, 1-based): chr2:188,989,400, C>T. VCF-style: chr2-188989400-C-T. GRCh37 (hg19) VCF-style: chr2-189854126-C-T.
Other names: short protein forms P214L.
Identifiers: ClinVar variation 2895667 (VCV002895667.6), dbSNP rs967913772, ClinGen allele CA62589457.